The following is an entry in ClinVar:

NM_007078.3(LDB3):c.1121C>T (p.Ala374Val)

Gene: LDB3 (LIM domain binding 3; plus strand). Cytogenetic location: 10q23.2.
Variant type: single nucleotide variant.
Coding change: c.1121C>T on transcript NM_007078.3 (MANE Select); coding-DNA position 1121, C replaced by T.
Protein change: p.Ala374Val; replaces alanine 374 with valine.
Molecular consequence: missense variant.
Genome position (GRCh38, 1-based): chr10:86,709,940, C>T. VCF-style: chr10-86709940-C-T. GRCh37 (hg19) VCF-style: chr10-88469697-C-T.
Other names: c.791C>T, p.Ala264Val (NM_001080114.2); c.1136C>T, p.Ala379Val (NM_001171610.2); c.932C>T, p.Ala311Val (NM_001368064.1, NM_001368065.1); c.980C>T, p.Ala327Val (NM_001368066.1); short protein forms A379V, A374V, A311V, A264V, A327V.
Identifiers: ClinVar variation 464282 (VCV000464282.7), dbSNP rs1554860812, ClinGen allele CA377448383.

ClinVar aggregate classification (germline): Uncertain significance (1 of 4 stars; one submission).

Conditions:
Myofibrillar myopathy 4. Also called: Zaspopathy (type). Identifiers: Orphanet 98912, MedGen C4721886, MONDO:0012277, OMIM 609452.

Allele frequency attached by ClinVar (database versions not stated): gnomAD exomes below 0.00001.
gnomAD v4.1: 1 of 1,612,642 alleles (0.000062%); highest among the groups gnomAD compares: Non-Finnish European, 0.000085%; no homozygotes.

Submission:

Labcorp Genetics (formerly Invitae), Labcorp
Classification: Uncertain significance for Myofibrillar myopathy 4. Last evaluated: 2017-06-21. Review status: criteria provided, single submitter. Criteria: Invitae Variant Classification Sherloc (09022015). Collection method: clinical testing. Allele origin: germline.
Comment: In summary, this variant has uncertain impact on LDB3 function. The available evidence is currently insufficient to determine its role in disease. Therefore, it has been classified as a Variant of Uncertain Significance. Algorithms developed to predict the effect of missense changes on protein structure and function (SIFT, PolyPhen-2, Align-GVGD) all suggest that this variant is likely to be tolerated, but these predictions have not been confirmed by published functional studies and their clinical significance is uncertain. This variant has not been reported in the literature in individuals with a LDB3-related disease. This variant is not present in population databases (ExAC no frequency). This sequence change replaces alanine with valine at codon 379 of the LDB3 protein (p.Ala379Val). The alanine residue is weakly conserved and there is a small physicochemical difference between alanine and valine. The LDB3 gene has multiple clinically relevant isoforms. The p.Ala379Val variant occurs in alternate transcript NM_001171610.1, which corresponds to position c.*10566C>T in NM_001080116.1, the primary transcript listed in the Methods.